The following is an entry in ClinVar:

ClinVar aggregate classification (germline): Uncertain significance (1 of 4 stars; one submission).

Allele frequency attached by ClinVar (database versions not stated): gnomAD exomes below 0.00001.
gnomAD v4.1: 2 of 1,614,098 alleles (0.00012%); highest among the groups gnomAD compares: Non-Finnish European, 0.00017%; no homozygotes.

Submission:

Labcorp Genetics (formerly Invitae), Labcorp
Classification: Uncertain significance. Last evaluated: 2020-12-05. Review status: criteria provided, single submitter. Criteria: Invitae Variant Classification Sherloc (09022015). Collection method: clinical testing. Allele origin: germline.
Comment: In summary, the available evidence is currently insufficient to determine the role of this variant in disease. Therefore, it has been classified as a Variant of Uncertain Significance. Algorithms developed to predict the effect of missense changes on protein structure and function output the following: SIFT: "Not Available"; PolyPhen-2: "Benign"; Align-GVGD: "Not Available". The isoleucine amino acid residue is found in multiple mammalian species, suggesting that this missense change does not adversely affect protein function. These predictions have not been confirmed by published functional studies and their clinical significance is uncertain. This variant has not been reported in the literature in individuals with CDH3-related conditions. This variant is not present in population databases (ExAC no frequency). This sequence change replaces threonine with isoleucine at codon 309 of the CDH3 protein (p.Thr309Ile). The threonine residue is moderately conserved and there is a moderate physicochemical difference between threonine and isoleucine.

NM_001793.6(CDH3):c.926C>T (p.Thr309Ile)

Gene: CDH3 (cadherin 3; plus strand). Cytogenetic location: 16q22.1.
Variant type: single nucleotide variant.
Coding change: c.926C>T on transcript NM_001793.6 (MANE Select); coding-DNA position 926, C replaced by T.
Protein change: p.Thr309Ile; replaces threonine 309 with isoleucine.
Molecular consequence: missense variant.
Genome position (GRCh38, 1-based): chr16:68,681,026, C>T. VCF-style: chr16-68681026-C-T. GRCh37 (hg19) VCF-style: chr16-68714929-C-T.
Other names: c.926C>T, p.Thr309Ile (NM_001317195.3); c.761C>T, p.Thr254Ile (NM_001317196.2); short protein forms T309I, T254I.
Identifiers: ClinVar variation 1428034 (VCV001428034.6), dbSNP rs1377497937, ClinGen allele CA396451804.